The following is an entry in ClinVar:

NM_002354.3(EPCAM):c.22G>A (p.Ala8Thr)

Gene: EPCAM (epithelial cell adhesion molecule; plus strand). Cytogenetic location: 2p21.
Variant type: single nucleotide variant.
Coding change: c.22G>A on transcript NM_002354.3 (MANE Select); coding-DNA position 22, G replaced by A.
Protein change: p.Ala8Thr; replaces alanine 8 with threonine.
Molecular consequence: missense variant.
Genome position (GRCh38, 1-based): chr2:47,369,527, G>A. VCF-style: chr2-47369527-G-A. GRCh37 (hg19) VCF-style: chr2-47596666-G-A.
Other names: short protein forms A8T.
Identifiers: ClinVar variation 3275830 (VCV003275830.1).

ClinVar aggregate classification (germline): Uncertain significance (1 of 4 stars; one submission).

Conditions:
Hereditary cancer-predisposing syndrome. Also called: Tumor predisposition; Hereditary Cancer Syndrome; Hereditary neoplastic syndrome; Neoplastic Syndromes, Hereditary. Identifiers: Orphanet 140162, MedGen C0027672, MeSH D009386, MONDO:0015356.

Submission:

Ambry Genetics
Classification: Uncertain significance for Hereditary cancer-predisposing syndrome. Last evaluated: 2024-04-06. Review status: criteria provided, single submitter. Criteria: Ambry Variant Classification Scheme 2023. Collection method: clinical testing. Allele origin: germline.
Comment: The p.A8T variant (also known as c.22G>A), located in coding exon 1 of the EPCAM gene, results from a G to A substitution at nucleotide position 22. The alanine at codon 8 is replaced by threonine, an amino acid with similar properties. This amino acid position is conserved. In addition, this alteration is predicted to be tolerated by in silico analysis. Based on the available evidence, the clinical significance of this variant remains unclear.